The following is an entry in ClinVar:

NM_001022.4(RPS19):c.1A>C (p.Met1Leu)

Genes: RPS19 (ribosomal protein S19; plus strand), RPS19-CD79A (RPS19-CD79A readthrough; plus strand). Cytogenetic location: 19q13.2.
Variant type: single nucleotide variant.
Coding change: c.1A>C on transcript NM_001022.4 (MANE Select); coding-DNA position 1, A replaced by C.
Protein change: p.Met1Leu; changes the start codon (methionine 1).
Molecular consequence: missense variant, initiator codon variant.
Genome position (GRCh38, 1-based): chr19:41,860,775, A>C. VCF-style: chr19-41860775-A-C. GRCh37 (hg19) VCF-style: chr19-42364845-A-C.
Other names: c.1A>C, p.Met1Leu (NM_001321483.2, NM_001321484.2, NM_001321485.2); short protein forms M1L.
Identifiers: ClinVar variation 2780439 (VCV002780439.3), dbSNP rs2123255913, ClinGen allele CA406046020.

ClinVar aggregate classification (germline): Pathogenic (1 of 4 stars; one submission).

Conditions:
Diamond-Blackfan anemia. Also called: Blackfan Diamond syndrome; Aregenerative anemia chronic congenital; Red cell aplasia, pure hereditary; Congenital hypoplastic anemia; Aase syndrome. Identifiers: Orphanet 124, MedGen C1260899, MeSH D029503, MONDO:0015253, HP:0004810.

Submission:

Labcorp Genetics (formerly Invitae), Labcorp
Classification: Pathogenic for Diamond-Blackfan anemia. Last evaluated: 2023-10-22. Review status: criteria provided, single submitter. Criteria: Invitae Variant Classification Sherloc (09022015). Collection method: clinical testing. Allele origin: germline.
Comment: This sequence change affects the initiator methionine of the RPS19 mRNA. The next in-frame methionine is located at codon 75. This variant is not present in population databases (gnomAD no frequency). Disruption of the initiator codon has been observed in individuals with Diamond-Blackfan anemia (PMID: 24675553, 27329125, 28102861; Invitae). For these reasons, this variant has been classified as Pathogenic.

Literature cited by the submitters: PubMed 24675553; PubMed 27329125; PubMed 28102861.